The following is an entry in ClinVar:

ClinVar aggregate classification (germline): Pathogenic. Review status: criteria provided, multiple submitters, no conflicts (2 of 4 stars). 3 submissions from 3 submitters: Pathogenic (3). Last evaluated 2025-08-29.

Conditions:
Hereditary cancer-predisposing syndrome. Also called: Hereditary Cancer Syndrome; Neoplastic Syndromes, Hereditary; Hereditary neoplastic syndrome; Tumor predisposition. Identifiers: Orphanet 140162, MedGen C0027672, MeSH D009386, MONDO:0015356.
Familial spontaneous pneumothorax (PSP). Identifiers: Orphanet 2903, MedGen C1868193, MONDO:0008259, OMIM 173600.

Allele frequency attached by ClinVar (database versions not stated): gnomAD exomes below 0.00001.

Submissions (3):

Ambry Genetics
Classification: Pathogenic for Hereditary cancer-predisposing syndrome. Last evaluated: 2025-08-29. Review status: criteria provided, single submitter. Criteria: Ambry Variant Classification Scheme 2023. Collection method: clinical testing. Allele origin: germline.
Comment: The c.1426dupG pathogenic mutation, located in coding exon 9 of the FLCN gene, results from a duplication of G at nucleotide position 1426, causing a translational frameshift with a predicted alternate stop codon (p.D476Gfs*10). This variant was reported in individual(s) with features consistent with Birt-Hogg-Dube syndrome (Schmidt LS et al. Am J Hum Genet, 2005 Jun;76:1023-33). This variant is considered to be rare based on population cohorts in the Genome Aggregation Database (gnomAD). This alteration is expected to result in loss of function by premature protein truncation or nonsense-mediated mRNA decay. As such, this alteration is interpreted as a disease-causing mutation.

ARUP Laboratories, Molecular Genetics and Genomics, ARUP Laboratories
Classification: Pathogenic. Last evaluated: 2025-05-29. Review status: criteria provided, single submitter. Criteria: ARUP Molecular Germline Variant Investigation Process 2024. Collection method: clinical testing. Allele origin: germline.
Comment: The FLCN c.1426dup; p.Asp476GlyfsTer10 variant (rs1131690835, ClinVar Variation ID: 428649) is reported in the literature in an individual affected with Birt-Hogg-Dube syndrome (Schmidt 2005). This variant is absent from the Genome Aggregation Database (v2.1.1), indicating it is not a common polymorphism. This variant causes a frameshift by inserting a single nucleotide, so it is predicted to result in a truncated protein or mRNA subject to nonsense-mediated decay. Based on available information, this variant is considered to be pathogenic. References: Schmidt LS et al. Germline BHD-mutation spectrum and phenotype analysis of a large cohort of families with Birt-Hogg-DubÃ© syndrome. Am J Hum Genet. 2005 Jun;76(6):1023-33. PMID: 15852235

Genetics and Molecular Pathology, SA Pathology
Classification: Pathogenic for Familial spontaneous pneumothorax. Last evaluated: 2023-03-02. Review status: criteria provided, single submitter. Criteria: ACMG Guidelines, 2015. Collection method: clinical testing. Allele origin: germline. Inheritance: Autosomal dominant inheritance. Affected: yes.
Comment: The FLCN c.1426dup variant is classified as Pathogenic (PVS1, PS4_Supporting, PM2). The gene FLCN c.1426dup variant is located in exon 12/14 and is predicted to cause a shift in the reading frame at codon 476 introducing a premature termination codon 10 amino acids downstream (PVS1). The variant has been reported in one unrelated affected proband with a clinical presentation of Birt-Hogg-Dube Syndrome (PMID: 15852235) (PS4_Supporting). This variant is absent from population databases (PM2). The variant has been reported in dbSNP (rs1131690835) and in the HGMD database: CI051796. It has been reported as Pathogenic by other diagnostic laboratories (ClinVar Variation ID: 428649).

Literature cited by the submitters: PubMed 15852235 (cited by Ambry Genetics and Genetics and Molecular Pathology, SA Pathology).

NM_144997.7(FLCN):c.1426dup (p.Asp476fs)

Gene: FLCN (folliculin; minus strand). Cytogenetic location: 17p11.2.
Variant type: Duplication.
Coding change: c.1426dup on transcript NM_144997.7 (MANE Select); coding-DNA position 1426, one base duplicated (G; older notation c.1426dupG).
Protein change: p.Asp476fs; shifts the reading frame from aspartic acid 476.
Molecular consequence: frameshift variant.
Genome position (GRCh38, 1-based): chr17:17,215,191, C duplicated on the plus strand (G on the coding strand, the reverse complement: FLCN is on the minus strand). VCF-style (leftmost placement, unchanged base first): chr17-17215190-T-TC. GRCh37 (hg19) VCF-style: chr17-17118504-T-TC.
Other names: c.1426dup (LRG_325t1); c.1480dup, p.Asp494fs (NM_001353229.2); c.1426dup, p.Asp476fs (NM_001353230.2, NM_001353231.2); c.1426dupG (NM_144997.5, NM_144997.7); short protein forms D476fs, D494fs.
Identifiers: ClinVar variation 428649 (VCV000428649.7), dbSNP rs1131690835, ClinGen allele CA645369704.